The following is an entry in ClinVar:

NM_024675.4(PALB2):c.966G>C (p.Glu322Asp)

Gene: PALB2 (partner and localizer of BRCA2; minus strand). Cytogenetic location: 16p12.2.
Variant type: single nucleotide variant.
Coding change: c.966G>C on transcript NM_024675.4 (MANE Select); coding-DNA position 966, G replaced by C.
Protein change: p.Glu322Asp; replaces glutamic acid 322 with aspartic acid.
Molecular consequence: missense variant.
Genome position (GRCh38, 1-based): chr16:23,635,580, C>G on the plus strand (G>C on the coding strand, the complement: PALB2 is on the minus strand). VCF-style: chr16-23635580-C-G. GRCh37 (hg19) VCF-style: chr16-23646901-C-G.
Other names: short protein forms E322D.
Identifiers: ClinVar variation 842820 (VCV000842820.13), dbSNP rs1246010785, ClinGen allele CA395134914.

ClinVar aggregate classification (germline): Uncertain significance. Review status: criteria provided, multiple submitters, no conflicts (2 of 4 stars). 2 submissions from 2 submitters: Uncertain significance (2). Last evaluated 2024-09-18.

Conditions:
Hereditary cancer-predisposing syndrome. Also called: Hereditary Cancer Syndrome; Hereditary neoplastic syndrome; Tumor predisposition; Neoplastic Syndromes, Hereditary. Identifiers: Orphanet 140162, MedGen C0027672, MeSH D009386, MONDO:0015356.
Familial cancer of breast. Also called: hereditary breast carcinoma; BREAST CANCER, FAMILIAL; Hereditary breast cancer. Identifiers: Orphanet 227535, MedGen C0346153, MONDO:0016419, OMIM 114480. Disease mechanism: loss of function.

Allele frequency attached by ClinVar (database versions not stated): gnomAD exomes 0.00001.

Submissions (2):

Labcorp Genetics (formerly Invitae), Labcorp
Classification: Uncertain significance for Familial cancer of breast. Last evaluated: 2024-09-18. Review status: criteria provided, single submitter. Criteria: Invitae Variant Classification Sherloc (09022015). Collection method: clinical testing. Allele origin: germline.
Comment: This sequence change replaces glutamic acid, which is acidic and polar, with aspartic acid, which is acidic and polar, at codon 322 of the PALB2 protein (p.Glu322Asp). This variant is not present in population databases (gnomAD no frequency). This variant has not been reported in the literature in individuals affected with PALB2-related conditions. ClinVar contains an entry for this variant (Variation ID: 842820). Invitae Evidence Modeling of protein sequence and biophysical properties (such as structural, functional, and spatial information, amino acid conservation, physicochemical variation, residue mobility, and thermodynamic stability) indicates that this missense variant is not expected to disrupt PALB2 protein function with a negative predictive value of 80%. In summary, the available evidence is currently insufficient to determine the role of this variant in disease. Therefore, it has been classified as a Variant of Uncertain Significance.

Ambry Genetics
Classification: Uncertain significance for Hereditary cancer-predisposing syndrome. Last evaluated: 2021-11-24. Review status: criteria provided, single submitter. Criteria: Ambry Variant Classification Scheme 2023. Collection method: clinical testing. Allele origin: germline.
Comment: The p.E322D variant (also known as c.966G>C), located in coding exon 4 of the PALB2 gene, results from a G to C substitution at nucleotide position 966. The glutamic acid at codon 322 is replaced by aspartic acid, an amino acid with highly similar properties. This amino acid position is conserved. In addition, this alteration is predicted to be tolerated by in silico analysis. Since supporting evidence is limited at this time, the clinical significance of this alteration remains unclear.